The following is an entry in ClinVar:

ClinVar aggregate classification (germline): Pathogenic/Likely pathogenic. Review status: criteria provided, multiple submitters, no conflicts (2 of 4 stars). 5 submissions from 5 submitters: Pathogenic (1); Likely pathogenic (4). Last evaluated 2026-04-02.

Conditions:
Combined oxidative phosphorylation defect type 8. Also called: CARDIOMYOPATHY, HYPERTROPHIC MITOCHONDRIAL, FATAL INFANTILE. Identifiers: Orphanet 319504, MedGen C4518839, MONDO:0013570, OMIM 614096.
Leukoencephalopathy, progressive, with ovarian failure (LKENP). Identifiers: Orphanet 99853, MedGen C4014588, MONDO:0014387, OMIM 615889.

Submissions (5):

GeneDx
Classification: Likely pathogenic. Last evaluated: 2026-04-02. Review status: criteria provided, single submitter. Criteria: GeneDx Variant Classification Process June 2021. Collection method: clinical testing. Allele origin: germline.
Comment: Published yeast-based functional studies suggest a damaging effect (PMID: 31705293); In-frame deletion of 1 amino acid(s) in a non-repeat region; Not observed at significant frequency in large population cohorts (gnomAD); In silico analysis supports a deleterious effect on protein structure/function; This variant is associated with the following publications: (PMID: 29749055, 28534666, 33926074, 30706699, 31106991, 34784527, 24808023, 31705293)

Labcorp Genetics (formerly Invitae), Labcorp
Classification: Pathogenic. Last evaluated: 2025-10-01. Review status: criteria provided, single submitter. Criteria: Invitae Variant Classification Sherloc (09022015). Collection method: clinical testing. Allele origin: germline.
Comment: This variant, c.390_392del, results in the deletion of 1 amino acid(s) of the AARS2 protein (p.Phe131del), but otherwise preserves the integrity of the reading frame. This variant is present in population databases (no rsID available, gnomAD 0.0009%). This variant has been observed in individual(s) with AARS2-related conditions (PMID: 24808023, 29749055, 31705293). In at least one individual the data is consistent with being in trans (on the opposite chromosome) from a pathogenic variant. It has also been observed to segregate with disease in related individuals. ClinVar contains an entry for this variant (Variation ID: 1322076). Algorithms developed to predict the effect of variants on gene product structure and function are not available or were not evaluated for this variant. Experimental studies have shown that this variant affects AARS2 function (PMID: 31705293). For these reasons, this variant has been classified as Pathogenic.

CeGaT Center for Human Genetics Tuebingen
Classification: Likely pathogenic. Last evaluated: 2025-08-01. Review status: criteria provided, single submitter. Criteria: CeGaT Center For Human Genetics Tuebingen Variant Classification Criteria Version 2. Collection method: clinical testing. Allele origin: germline. Affected: yes. Observed: 1 variant allele.
Comment: AARS2: PM3:Strong, PM2, PM4:Supporting, PS3:Supporting

Department of Pathology and Laboratory Medicine, Sinai Health System
Classification: Likely pathogenic for Leukoencephalopathy, progressive, with ovarian failure; Combined oxidative phosphorylation defect type 8. Last evaluated: 2022-10-31. Review status: criteria provided, single submitter. Criteria: ACMG Guidelines, 2015. Collection method: research. Allele origin: germline.

Genetic Services Laboratory, University of Chicago
Classification: Likely pathogenic. Last evaluated: 2017-12-20. Review status: criteria provided, single submitter. Criteria: ACMG Guidelines, 2015. Collection method: clinical testing. Allele origin: germline. Affected: yes.

Literature cited by the submitters: PubMed 24808023 (cited by Labcorp Genetics (formerly Invitae), Labcorp); PubMed 29749055 (cited by Labcorp Genetics (formerly Invitae), Labcorp); PubMed 31705293 (cited by Labcorp Genetics (formerly Invitae), Labcorp).

NM_020745.4(AARS2):c.387CTT[1] (p.Phe131del)

Gene: AARS2 (alanyl-tRNA synthetase 2, mitochondrial; minus strand). Cytogenetic location: 6p21.1.
Variant type: Microsatellite.
Coding change: c.387CTT[1] on transcript NM_020745.4 (MANE Select); one copy of the 3-base unit CTT starting at c.387; the reference has two copies in a row; one copy, 3 bases deleted.
Protein change: p.Phe131del; deletes phenylalanine 131.
Molecular consequence: inframe deletion.
Genome position (GRCh38, 1-based): chr6:44,312,115-44,312,117, AAG deleted on the plus strand (CTT on the coding strand, the reverse complement: AARS2 is on the minus strand); deleting any 3 consecutive bases within chr6:44,312,115-44,312,120 gives the same sequence; the position shown is the placement nearest the transcript's 3' end. VCF-style (leftmost placement, unchanged base first): chr6-44312114-AAAG-A. GRCh37 (hg19) VCF-style: chr6-44279851-AAAG-A.
Other names: short protein forms F131del.
Identifiers: ClinVar variation 1322076 (VCV001322076.18), dbSNP rs1561943859, ClinGen allele CA567154737.
Genomic context (GRCh38, chr6:44,312,114, plus strand): 5'-TGATCCCCAGAGACTCACCTTAAAATATTCACCCCCAAAGGCCCAATTGCCAAGCATTTC[AAAG>A]AAGGTATGATGGGAAAGGTCTCGACCCACATCTTCCAGGTCGTTATGGTGTCCTCCAGCT-3'